The following is an entry in ClinVar:

NM_003002.4(SDHD):c.436G>C (p.Asp146His)

Gene: SDHD (succinate dehydrogenase complex subunit D; plus strand). Cytogenetic location: 11q23.1.
Variant type: single nucleotide variant.
Coding change: c.436G>C on transcript NM_003002.4 (MANE Select); coding-DNA position 436, G replaced by C.
Protein change: p.Asp146His; replaces aspartic acid 146 with histidine.
Molecular consequence: missense variant. On other transcripts: 3 prime UTR variant (2), non-coding transcript variant (1).
Genome position (GRCh38, 1-based): chr11:112,094,926, G>C. VCF-style: chr11-112094926-G-C. GRCh37 (hg19) VCF-style: chr11-111965650-G-C.
Other names: c.*33G>C (NM_001276503.2); c.319G>C, p.Asp107His (NM_001276504.2); c.*134G>C (NM_001276506.2); short protein forms D107H, D146H.
Identifiers: ClinVar variation 2577942 (VCV002577942.23), dbSNP rs1592786384, ClinGen allele CA382619408.

ClinVar aggregate classification (germline): Uncertain significance. Review status: criteria provided, single submitter (1 of 4 stars). 2 submissions from 2 submitters: Uncertain significance (1). 1 of the submissions does not count toward it. Last evaluated 2023-12-01.

Submissions (2):

CeGaT Center for Human Genetics Tuebingen
Classification: Uncertain significance. Last evaluated: 2023-12-01. Review status: criteria provided, single submitter. Criteria: CeGaT Center For Human Genetics Tuebingen Variant Classification Criteria Version 2. Collection method: clinical testing. Allele origin: germline. Affected: yes. Observed: 1 variant allele.
Comment: SDHD: PM2, PP3

Molecular Genetics laboratory, Necker Hospital
Classification: Likely pathogenic. Last evaluated: 2022-06-14. Review status: no assertion criteria provided. Collection method: clinical testing. Allele origin: biparental. Affected: yes. Not counted in ClinVar's aggregate classification.